The following is an entry in ClinVar:

ClinVar aggregate classification (germline): Uncertain significance. Review status: criteria provided, multiple submitters, no conflicts (2 of 4 stars). 3 submissions from 3 submitters: Uncertain significance (3). Last evaluated 2024-01-23.

Conditions:
Inborn genetic diseases. Identifiers: MedGen C0950123, MeSH D030342.

Allele frequency attached by ClinVar (database versions not stated): gnomAD exomes below 0.00001 and 0.00001; ExAC 0.00001; TOPMed 0.00001.
gnomAD v4.1: 5 of 1,614,058 alleles (0.00031%); highest among the groups gnomAD compares: Non-Finnish European, 0.00042%; no homozygotes.

Submissions (3):

Blueprint Genetics
Classification: Uncertain significance. Last evaluated: 2024-01-23. Review status: criteria provided, single submitter. Criteria: ACMG Guidelines, 2015. Collection method: clinical testing. Allele origin: germline.

Ambry Genetics
Classification: Uncertain significance for Inborn genetic diseases. Last evaluated: 2022-10-12. Review status: criteria provided, single submitter. Criteria: Ambry Variant Classification Scheme 2023. Collection method: clinical testing. Allele origin: germline.

Labcorp Genetics (formerly Invitae), Labcorp
Classification: Uncertain significance. Last evaluated: 2021-09-09. Review status: criteria provided, single submitter. Criteria: Invitae Variant Classification Sherloc (09022015). Collection method: clinical testing. Allele origin: germline.
Comment: This sequence change replaces alanine with glycine at codon 766 of the PDE6A protein (p.Ala766Gly). The alanine residue is highly conserved and there is a small physicochemical difference between alanine and glycine. This variant is present in population databases (rs752929833, ExAC 0.001%). This variant has not been reported in the literature in individuals affected with PDE6A-related conditions. Algorithms developed to predict the effect of missense changes on protein structure and function are either unavailable or do not agree on the potential impact of this missense change (SIFT: "Tolerated"; PolyPhen-2: "Possibly Damaging"; Align-GVGD: "Class C0"). In summary, the available evidence is currently insufficient to determine the role of this variant in disease. Therefore, it has been classified as a Variant of Uncertain Significance.

NM_000440.3(PDE6A):c.2297C>G (p.Ala766Gly)

Gene: PDE6A (phosphodiesterase 6A; minus strand). Cytogenetic location: 5q32.
Variant type: single nucleotide variant.
Coding change: c.2297C>G on transcript NM_000440.3 (MANE Select); coding-DNA position 2297, C replaced by G.
Protein change: p.Ala766Gly; replaces alanine 766 with glycine.
Molecular consequence: missense variant.
Genome position (GRCh38, 1-based): chr5:149,866,231, G>C on the plus strand (C>G on the coding strand, the complement: PDE6A is on the minus strand). VCF-style: chr5-149866231-G-C. GRCh37 (hg19) VCF-style: chr5-149245794-G-C.
Other names: c.2297C>G (NM_000440.2); short protein forms A766G.
Identifiers: ClinVar variation 1044265 (VCV001044265.8), dbSNP rs752929833, ClinGen allele CA3504332.